The following is an entry in ClinVar:

ClinVar aggregate classification (germline): Uncertain significance. Review status: criteria provided, multiple submitters, no conflicts (2 of 4 stars). 2 submissions from 2 submitters: Uncertain significance (2). Last evaluated 2022-07-12.

Conditions:
Hereditary nonpolyposis colorectal neoplasms. Identifiers: MedGen C0009405, MeSH D003123.
Hereditary cancer-predisposing syndrome. Also called: Neoplastic Syndromes, Hereditary; Tumor predisposition; Hereditary Cancer Syndrome; Hereditary neoplastic syndrome. Identifiers: Orphanet 140162, MedGen C0027672, MeSH D009386, MONDO:0015356.

Submissions (2):

Ambry Genetics
Classification: Uncertain significance for Hereditary cancer-predisposing syndrome. Last evaluated: 2022-07-12. Review status: criteria provided, single submitter. Criteria: Ambry Variant Classification Scheme 2023. Collection method: clinical testing. Allele origin: germline.
Comment: The p.V609M variant (also known as c.1825G>A), located in coding exon 11 of the PMS2 gene, results from a G to A substitution at nucleotide position 1825. The valine at codon 609 is replaced by methionine, an amino acid with highly similar properties. This amino acid position is not well conserved in available vertebrate species. In addition, this alteration is predicted to be tolerated by in silico analysis. Since supporting evidence is limited at this time, the clinical significance of this alteration remains unclear.

Labcorp Genetics (formerly Invitae), Labcorp
Classification: Uncertain significance for Hereditary nonpolyposis colorectal neoplasms. Last evaluated: 2022-04-15. Review status: criteria provided, single submitter. Criteria: Invitae Variant Classification Sherloc (09022015). Collection method: clinical testing. Allele origin: germline.
Comment: In summary, the available evidence is currently insufficient to determine the role of this variant in disease. Therefore, it has been classified as a Variant of Uncertain Significance. Advanced modeling of protein sequence and biophysical properties (such as structural, functional, and spatial information, amino acid conservation, physicochemical variation, residue mobility, and thermodynamic stability) performed at Invitae indicates that this missense variant is not expected to disrupt PMS2 protein function. This variant has not been reported in the literature in individuals affected with PMS2-related conditions. This variant is not present in population databases (gnomAD no frequency). This sequence change replaces valine, which is neutral and non-polar, with methionine, which is neutral and non-polar, at codon 609 of the PMS2 protein (p.Val609Met).

NM_000535.7(PMS2):c.1825G>A (p.Val609Met)

Gene: PMS2 (PMS1 homolog 2, mismatch repair system component; minus strand). Cytogenetic location: 7p22.1.
Variant type: single nucleotide variant.
Coding change: c.1825G>A on transcript NM_000535.7 (MANE Select); coding-DNA position 1825, G replaced by A.
Protein change: p.Val609Met; replaces valine 609 with methionine.
Molecular consequence: missense variant. On other transcripts: non-coding transcript variant (1).
Genome position (GRCh38, 1-based): chr7:5,986,940, C>T on the plus strand (G>A on the coding strand, the complement: PMS2 is on the minus strand). VCF-style: chr7-5986940-C-T. GRCh37 (hg19) VCF-style: chr7-6026571-C-T.
Other names: c.1264G>A, p.Val422Met (NM_001406907.1, NM_001322010.2, NM_001406906.1); c.1420G>A, p.Val474Met (NM_001406908.1, NM_001406910.1, NM_001018040.1 and 17 more transcripts); c.1252G>A, p.Val418Met (NM_001406909.1, NM_001322013.2); c.1054G>A, p.Val352Met (NM_001406911.1); c.1669G>A, p.Val557Met (NM_001322006.2, NM_001406870.1); c.1507G>A, p.Val503Met (NM_001322007.2, NM_001322008.2, NM_001406876.1 and 2 more transcripts); c.892G>A, p.Val298Met (NM_001322011.2, NM_001322012.2); c.1825G>A, p.Val609Met (NM_001322014.2, NM_001406871.1, NM_001406872.1); and 12 more; short protein forms V298M, V422M, V438M, V487M, V671M, V474M, V553M, V557M.
Identifiers: ClinVar variation 1780834 (VCV001780834.8), dbSNP rs2128722786, ClinGen allele CA366739701.